The following is an entry in ClinVar:

NM_052867.4(NALCN):c.5188G>A (p.Glu1730Lys)

Genes: NALCN-AS1 (NALCN antisense RNA 1; plus strand), NALCN (sodium leak channel, non-selective; minus strand). Cytogenetic location: 13q32.3.
Variant type: single nucleotide variant.
Coding change: c.5188G>A on transcript NM_052867.4 (MANE Select); coding-DNA position 5188, G replaced by A.
Protein change: p.Glu1730Lys; replaces glutamic acid 1730 with lysine.
Molecular consequence: missense variant. On other transcripts: non-coding transcript variant (1).
Genome position (GRCh38, 1-based): chr13:101,055,324, C>T on the plus strand (G>A on the coding strand, the complement: NALCN is on the minus strand). VCF-style: chr13-101055324-C-T. GRCh37 (hg19) VCF-style: chr13-101707676-C-T.
Other names: c.5275G>A, p.Glu1759Lys (NM_001350748.2); c.5188G>A, p.Glu1730Lys (NM_001350749.2); c.5101G>A, p.Glu1701Lys (NM_001350750.2, NM_001350751.2); short protein forms E1730K, E1759K, E1701K.
Identifiers: ClinVar variation 587535 (VCV000587535.6), dbSNP rs1566761140, ClinGen allele CA388642760.

ClinVar aggregate classification (germline): Uncertain significance. Review status: criteria provided, multiple submitters, no conflicts (2 of 4 stars). 2 submissions from 2 submitters: Uncertain significance (2). Last evaluated 2019-11-25.

Conditions:
Congenital contractures of the limbs and face, hypotonia, and developmental delay (CLIFAHDD). Identifiers: Orphanet 562528, MedGen C4225398, MONDO:0014556, OMIM 616266.

Allele frequency attached by ClinVar (database versions not stated): gnomAD exomes below 0.00001; gnomAD 0.00001; TOPMed 0.00001.
gnomAD v4.1: 2 of 1,613,542 alleles (0.00012%); highest among the groups gnomAD compares: South Asian, 0.0011%; no homozygotes.

Submissions (2):

GeneDx
Classification: Uncertain significance. Last evaluated: 2019-11-25. Review status: criteria provided, single submitter. Criteria: GeneDx Variant Classification Process June 2021. Collection method: clinical testing. Allele origin: germline. Affected: yes.
Comment: Not observed at a significant frequency in large population cohorts (Lek et al., 2016); In silico analysis, which includes protein predictors and evolutionary conservation, supports that this variant does not alter protein structure/function; Has not been previously published as pathogenic or benign to our knowledge

Genomic Research Center, Shahid Beheshti University of Medical Sciences
Classification: Uncertain significance for Congenital contractures of the limbs and face, hypotonia, and developmental delay. Last evaluated: 2018-08-07. Review status: criteria provided, single submitter. Criteria: ACMG Guidelines, 2015. Collection method: clinical testing. Allele origin: unknown. Affected: yes. Observed: 1 variant allele.